The following is an entry in ClinVar:

NM_003664.5(AP3B1):c.778del (p.Trp260fs)

Gene: AP3B1 (adaptor related protein complex 3 subunit beta 1; minus strand). Cytogenetic location: 5q14.1.
Variant type: Deletion.
Coding change: c.778del on transcript NM_003664.5 (MANE Select); coding-DNA position 778, one base deleted (T; older notation c.778delT).
Protein change: p.Trp260fs; shifts the reading frame from tryptophan 260.
Molecular consequence: frameshift variant.
Genome position (GRCh38, 1-based): chr5:78,216,063, A deleted on the plus strand (T on the coding strand, the reverse complement: AP3B1 is on the minus strand); the first of 2 consecutive A bases (chr5:78,216,063-78,216,064); deleting either gives the same sequence. VCF-style (leftmost placement, unchanged base first): chr5-78216062-CA-C. GRCh37 (hg19) VCF-style: chr5-77511886-CA-C.
Other names: c.631del, p.Trp211fs (NM_001271769.2); c.777delT, p.Trp260Glyfs (NM_001410752.1); short protein forms W211fs, W260fs.
Identifiers: ClinVar variation 2019152 (VCV002019152.4), dbSNP rs2531190870, ClinGen allele CA2580073653.

ClinVar aggregate classification (germline): Pathogenic (1 of 4 stars; one submission).

Conditions:
Hermansky-Pudlak syndrome 2 (HPS2). Also called: Platelet defects and oculocutaneous albinism. Identifiers: Orphanet 183678, Orphanet 79430, MedGen C1842362, MONDO:0011997, OMIM 608233.

Submission:

Labcorp Genetics (formerly Invitae), Labcorp
Classification: Pathogenic for Hermansky-Pudlak syndrome 2. Last evaluated: 2022-07-23. Review status: criteria provided, single submitter. Criteria: Invitae Variant Classification Sherloc (09022015). Collection method: clinical testing. Allele origin: germline.
Comment: This sequence change creates a premature translational stop signal (p.Trp260Glyfs*7) in the AP3B1 gene. It is expected to result in an absent or disrupted protein product. Loss-of-function variants in AP3B1 are known to be pathogenic (PMID: 16507770, 23403622). For these reasons, this variant has been classified as Pathogenic. This variant has not been reported in the literature in individuals affected with AP3B1-related conditions. This variant is not present in population databases (gnomAD no frequency).

Literature cited by the submitters: PubMed 16507770; PubMed 23403622.